The following is an entry in ClinVar:

ClinVar aggregate classification (germline): Uncertain significance. Review status: criteria provided, multiple submitters, no conflicts (2 of 4 stars). 2 submissions from 2 submitters: Uncertain significance (2). Last evaluated 2025-08-18.

gnomAD v4.1: 2 of 1,613,916 alleles (0.00012%); highest among the groups gnomAD compares: Non-Finnish European, 0.000085%; no homozygotes.

Submissions (2):

Dasa
Classification: Uncertain significance. Last evaluated: 2025-08-18. Review status: criteria provided, single submitter. Criteria: DASA Assertion Criteria. Collection method: clinical testing. Allele origin: germline.
Comment: NM_016580.4(PCDH12):c.3400G>C (p.Glu1134Gln) is a missense variant that results in the substitution of glutamic acid with glutamine. This variant is rare in population databases. Computational prediction algorithms are consistent with a benign effect. The currently available literature and clinical evidence are not sufficient to establish a definitive association between this variant and the reported condition. Therefore, this variant is classified as a variant of uncertain significance.

Labcorp Genetics (formerly Invitae), Labcorp
Classification: Uncertain significance. Last evaluated: 2022-08-21. Review status: criteria provided, single submitter. Criteria: Invitae Variant Classification Sherloc (09022015). Collection method: clinical testing. Allele origin: germline.
Comment: This sequence change replaces glutamic acid, which is acidic and polar, with glutamine, which is neutral and polar, at codon 1134 of the PCDH12 protein (p.Glu1134Gln). This variant is not present in population databases (gnomAD no frequency). This variant has not been reported in the literature in individuals affected with PCDH12-related conditions. Advanced modeling of protein sequence and biophysical properties (such as structural, functional, and spatial information, amino acid conservation, physicochemical variation, residue mobility, and thermodynamic stability) performed at Invitae indicates that this missense variant is not expected to disrupt PCDH12 protein function. In summary, the available evidence is currently insufficient to determine the role of this variant in disease. Therefore, it has been classified as a Variant of Uncertain Significance.

NM_016580.4(PCDH12):c.3400G>C (p.Glu1134Gln)

Gene: PCDH12 (protocadherin 12; minus strand). Cytogenetic location: 5q31.3.
Variant type: single nucleotide variant.
Coding change: c.3400G>C on transcript NM_016580.4 (MANE Select); coding-DNA position 3400, G replaced by C.
Protein change: p.Glu1134Gln; replaces glutamic acid 1134 with glutamine.
Molecular consequence: missense variant.
Genome position (GRCh38, 1-based): chr5:141,945,536, C>G on the plus strand (G>C on the coding strand, the complement: PCDH12 is on the minus strand). VCF-style: chr5-141945536-C-G. GRCh37 (hg19) VCF-style: chr5-141325101-C-G.
Other names: short protein forms E1134Q.
Identifiers: ClinVar variation 2121432 (VCV002121432.3), dbSNP rs1046095903, ClinGen allele CA128471133.